The following is an entry in ClinVar:

ClinVar aggregate classification (germline): Pathogenic (1 of 4 stars; one submission).

Conditions:
ALG1-congenital disorder of glycosylation. Also called: CONGENITAL DISORDER OF GLYCOSYLATION, TYPE Ik; CDG Ik; ALG1-CDG. Identifiers: Orphanet 79327, MedGen C2931005, MONDO:0012052, OMIM 608540.

Submission:

Labcorp Genetics (formerly Invitae), Labcorp
Classification: Pathogenic for ALG1-congenital disorder of glycosylation. Last evaluated: 2024-01-09. Review status: criteria provided, single submitter. Criteria: Invitae Variant Classification Sherloc (09022015). Collection method: clinical testing. Allele origin: germline.
Comment: A gross deletion of the genomic region encompassing the full coding sequence of the ALG1 gene has been identified. Loss-of-function variants in ALG1 are known to be pathogenic (PMID: 20679665, 23806237). The boundaries of this event are unknown as they extend beyond the assayed region for this gene and therefore may encompass additional genes. This variant has not been reported in the literature in individuals affected with ALG1-related conditions. For these reasons, this variant has been classified as Pathogenic.

Literature cited by the submitters: PubMed 20679665; PubMed 23806237.

NC_000016.9:g.(?_5121851)_(5134882_?)del

Genes: ALG1 (ALG1 chitobiosyldiphosphodolichol beta-mannosyltransferase; plus strand), EEF2KMT (eukaryotic elongation factor 2 lysine methyltransferase; minus strand). Cytogenetic location: 16p13.3.
Variant type: Deletion.
Identifiers: ClinVar variation 1393773 (VCV001393773.5).